The following is an entry in ClinVar:

ClinVar aggregate classification (germline): Uncertain significance. Review status: criteria provided, multiple submitters, no conflicts (2 of 4 stars). 6 submissions from 6 submitters: Uncertain significance (6). Last evaluated 2026-06-02.

Conditions:
Inborn genetic diseases. Identifiers: MedGen C0950123, MeSH D030342.
Chédiak-Higashi syndrome (CHS). Also called: Chediak-Higashi Syndrome. Identifiers: Orphanet 167, MedGen C0007965, MONDO:0008963, OMIM 214500.

Allele frequency attached by ClinVar (database versions not stated): gnomAD exomes 0.00005; ExAC 0.00006; ESP Exome Variant Server 0.00008; gnomAD 0.00013 and 0.00014; 1000 Genomes Project 30x 0.00016; 1000 Genomes Project 0.00020; TOPMed 0.00042.
gnomAD v4.1: 94 of 1,614,104 alleles (0.0058%); highest among the groups gnomAD compares: Admixed American, 0.043%; no homozygotes.

Submissions (6):

Women's Health and Genetics/Laboratory Corporation of America, LabCorp
Classification: Uncertain significance. Last evaluated: 2026-06-02. Review status: criteria provided, single submitter. Criteria: LabCorp Variant Classification Summary - May 2015. Collection method: clinical testing. Allele origin: germline.
Comment: Variant summary: LYST c.9473A>G (p.Asn3158Ser) results in a conservative amino acid change of the encoded protein sequence. Algorithms developed to predict the effect of missense changes on protein structure and function are either unavailable or do not agree on the potential impact of this missense change. The variant allele was found at a frequency of 5.2e-05 in 251332 control chromosomes. This frequency is not significantly higher than estimated for disease-causing variants in LYST, allowing no conclusion about variant significance. To our knowledge, c.9473A>G has not been observed individual(s) affected with LYST-related conditions and no experimental evidence demonstrating an impact on protein function has been reported. The following publications have been ascertained in the context of this evaluation (PMID: 38937141, 28337550). ClinVar contains an entry for this variant (Variation ID: 642974). Based on the evidence outlined above, the variant was classified as uncertain significance.

Labcorp Genetics (formerly Invitae), Labcorp
Classification: Uncertain significance for Chédiak-Higashi syndrome. Last evaluated: 2025-12-28. Review status: criteria provided, single submitter. Criteria: Invitae Variant Classification Sherloc (09022015). Collection method: clinical testing. Allele origin: germline.
Comment: This sequence change replaces asparagine, which is neutral and polar, with serine, which is neutral and polar, at codon 3158 of the LYST protein (p.Asn3158Ser). This variant is present in population databases (rs143618409, gnomAD 0.02%). This variant has not been reported in the literature in individuals affected with LYST-related conditions. ClinVar contains an entry for this variant (Variation ID: 642974). Invitae Evidence Modeling of protein sequence and biophysical properties (such as structural, functional, and spatial information, amino acid conservation, physicochemical variation, residue mobility, and thermodynamic stability) indicates that this missense variant is not expected to disrupt LYST protein function with a negative predictive value of 80%. In summary, the available evidence is currently insufficient to determine the role of this variant in disease. Therefore, it has been classified as a Variant of Uncertain Significance.

Mayo Clinic Laboratories, Mayo Clinic
Classification: Uncertain significance. Last evaluated: 2025-05-19. Review status: criteria provided, single submitter. Criteria: ACMG Guidelines, 2015. Collection method: clinical testing. Allele origin: germline. Observed: 2 variant alleles.
Comment: BP4

GeneDx
Classification: Uncertain significance. Last evaluated: 2025-02-26. Review status: criteria provided, single submitter. Criteria: GeneDx Variant Classification Process June 2021. Collection method: clinical testing. Allele origin: germline. Affected: yes.
Comment: Observed in two families with symptoms or diagnoses of multiple sclerosis; however, this variant was not shown to segregate with disease in either family, calling the pathogenicity into question (PMID: 28337550); In silico analysis supports that this missense variant has a deleterious effect on protein structure/function; This variant is associated with the following publications: (PMID: 38937141, 28337550)

Blueprint Genetics
Classification: Uncertain significance. Last evaluated: 2024-10-22. Review status: criteria provided, single submitter. Criteria: ACMG Guidelines, 2015. Collection method: clinical testing. Allele origin: germline.

Ambry Genetics
Classification: Uncertain significance for Inborn genetic diseases. Last evaluated: 2022-07-31. Review status: criteria provided, single submitter. Criteria: Ambry Variant Classification Scheme 2023. Collection method: clinical testing. Allele origin: germline.

Literature cited by the submitters: PubMed 28337550 (cited by Women's Health and Genetics/Laboratory Corporation of America, LabCorp); PubMed 38937141 (cited by Women's Health and Genetics/Laboratory Corporation of America, LabCorp and Mayo Clinic Laboratories, Mayo Clinic).

NM_000081.4(LYST):c.9473A>G (p.Asn3158Ser)

Gene: LYST (lysosomal trafficking regulator; minus strand). Cytogenetic location: 1q42.3.
Variant type: single nucleotide variant.
Coding change: c.9473A>G on transcript NM_000081.4 (MANE Select); coding-DNA position 9473, A replaced by G.
Protein change: p.Asn3158Ser; replaces asparagine 3158 with serine.
Molecular consequence: missense variant.
Genome position (GRCh38, 1-based): chr1:235,720,748, T>C on the plus strand (A>G on the coding strand, the complement: LYST is on the minus strand). VCF-style: chr1-235720748-T-C. GRCh37 (hg19) VCF-style: chr1-235884048-T-C.
Other names: c.9473A>G, p.Asn3158Ser (NM_001301365.1); c.9473A>G (NM_000081.2); short protein forms N3158S.
Identifiers: ClinVar variation 642974 (VCV000642974.15), dbSNP rs143618409, ClinGen allele CA1465587.